The following is an entry in ClinVar:

NM_001278116.2(L1CAM):c.292A>C (p.Thr98Pro)

Gene: L1CAM (L1 cell adhesion molecule; minus strand). Cytogenetic location: Xq28.
Variant type: single nucleotide variant.
Coding change: c.292A>C on transcript NM_001278116.2 (MANE Select); coding-DNA position 292, A replaced by C.
Protein change: p.Thr98Pro; replaces threonine 98 with proline.
Molecular consequence: missense variant.
Genome position (GRCh38, 1-based): chrX:153,872,260, T>G on the plus strand (A>C on the coding strand, the complement: L1CAM is on the minus strand). VCF-style: chrX-153872260-T-G. GRCh37 (hg19) VCF-style: chrX-153137715-T-G.
Other names: c.292A>C, p.Thr98Pro (NM_000425.5, NM_024003.3); c.277A>C, p.Thr93Pro (NM_001143963.2); short protein forms T98P, T93P.
Identifiers: ClinVar variation 4978243 (VCV004978243.1).

ClinVar aggregate classification (germline): Uncertain significance (1 of 4 stars; one submission).

Conditions:
L1CAM-related disorder. Also called: L1CAM-related condition.

Submission:

PreventionGenetics, part of Exact Sciences
Classification: Uncertain significance for L1CAM-related condition. Last evaluated: 2026-07-16. Review status: criteria provided, single submitter. Criteria: ACMG Guidelines, 2015. Collection method: clinical testing. Allele origin: germline.
Comment: The L1CAM c.292A>C variant is predicted to result in the amino acid substitution p.Thr98Pro. To our knowledge, this variant has not been reported in the literature or in a large population database (gnomAD), indicating this variant is rare. At this time, the clinical significance of this variant is uncertain due to the absence of conclusive functional and genetic evidence.